The following is an entry in ClinVar:

ClinVar aggregate classification (germline): Likely benign (0 of 4 stars; one submission).

Conditions:
DYRK1B-related disorder. Also called: DYRK1B-related condition.

Allele frequency attached by ClinVar (database versions not stated): gnomAD exomes 0.00004; TOPMed 0.00005; ExAC 0.00014.
gnomAD v4.1: 21 of 1,519,960 alleles (0.0014%); highest among the groups gnomAD compares: Admixed American, 0.047%; no homozygotes.

Submission:

PreventionGenetics, part of Exact Sciences
Classification: Likely benign for DYRK1B-related condition. Last evaluated: 2021-12-09. Review status: no assertion criteria provided. Collection method: clinical testing. Allele origin: germline.
Comment: This variant is classified as likely benign based on ACMG/AMP sequence variant interpretation guidelines (Richards et al. 2015 PMID: 25741868, with internal and published modifications).

NM_004714.3(DYRK1B):c.1566C>T (p.Pro522=)

Gene: DYRK1B (dual specificity tyrosine phosphorylation regulated kinase 1B; minus strand). Cytogenetic location: 19q13.2.
Variant type: single nucleotide variant.
Coding change: c.1566C>T on transcript NM_004714.3 (MANE Select); coding-DNA position 1566, C replaced by T.
Protein change: p.Pro522=; no amino-acid change (proline 522 retained).
Molecular consequence: synonymous variant.
Genome position (GRCh38, 1-based): chr19:39,826,039, G>A on the plus strand (C>T on the coding strand, the complement: DYRK1B is on the minus strand). VCF-style: chr19-39826039-G-A. GRCh37 (hg19) VCF-style: chr19-40316679-G-A.
Other names: c.1446C>T, p.Pro482= (NM_006483.3); c.1482C>T, p.Pro494= (NM_006484.3).
Identifiers: ClinVar variation 3041682 (VCV003041682.2), dbSNP rs751446560, ClinGen allele CA9433979.